The following is an entry in ClinVar:

ClinVar aggregate classification (germline): Benign/Likely benign. Review status: criteria provided, multiple submitters, no conflicts (2 of 4 stars). 6 submissions from 6 submitters: Benign (1); Likely benign (5). Last evaluated 2026-01-25.

Conditions:
Hereditary cancer-predisposing syndrome. Also called: Neoplastic Syndromes, Hereditary; Hereditary Cancer Syndrome; Tumor predisposition; Hereditary neoplastic syndrome. Identifiers: Orphanet 140162, MedGen C0027672, MeSH D009386, MONDO:0015356.
Familial cancer of breast. Also called: Hereditary breast cancer; BREAST CANCER, FAMILIAL; hereditary breast carcinoma. Identifiers: Orphanet 227535, MedGen C0346153, MONDO:0016419, OMIM 114480. Disease mechanism: loss of function.
Ataxia-telangiectasia syndrome (AT). Also called: LOUIS-BAR SYNDROME; Cerebello-oculocutaneous telangiectasia; Immunodeficiency with ataxia telangiectasia; Ataxia-telangiectasia, complementation group D; AT, COMPLEMENTATION GROUP C; Ataxia-telangiectasia, complementation group E. Identifiers: Orphanet 100, MedGen C0004135, MONDO:0008840, OMIM 208900.

Allele frequency attached by ClinVar (database versions not stated): gnomAD exomes below 0.00001; gnomAD 0.00003; TOPMed 0.00005.
gnomAD v4.1: 5 of 1,614,038 alleles (0.00031%); highest among the groups gnomAD compares: African/African-American, 0.0067%; no homozygotes.

Submissions (6):

Labcorp Genetics (formerly Invitae), Labcorp
Classification: Likely benign for Ataxia-telangiectasia syndrome. Last evaluated: 2026-01-25. Review status: criteria provided, single submitter. Criteria: Invitae Variant Classification Sherloc (09022015). Collection method: clinical testing. Allele origin: germline.

Myriad Genetics, Inc.
Classification: Benign for Familial cancer of breast. Last evaluated: 2024-06-24. Review status: criteria provided, single submitter. Criteria: Myriad Autosomal Dominant, Autosomal Recessive and X-Linked Classification Criteria (2023). Collection method: clinical testing. Allele origin: unknown.
Comment: This variant is considered benign. This variant is a silent/synonymous amino acid change and it is not expected to impact splicing.

Genetic Services Laboratory, University of Chicago
Classification: Likely benign. Last evaluated: 2020-10-16. Review status: criteria provided, single submitter. Criteria: ACMG Guidelines, 2015. Collection method: clinical testing. Allele origin: germline. Affected: no.

Color Diagnostics, LLC DBA Color Health
Classification: Likely benign for Hereditary cancer-predisposing syndrome. Last evaluated: 2019-06-03. Review status: criteria provided, single submitter. Criteria: ACMG Guidelines, 2015. Collection method: clinical testing. Allele origin: germline.

Ambry Genetics
Classification: Likely benign for Hereditary cancer-predisposing syndrome. Last evaluated: 2017-10-20. Review status: criteria provided, single submitter. Criteria: Ambry Variant Classification Scheme 2023. Collection method: clinical testing. Allele origin: germline.

GeneDx
Classification: Likely benign. Last evaluated: 2016-02-22. Review status: criteria provided, single submitter. Criteria: GeneDx Variant Classification (06012015). Collection method: clinical testing. Allele origin: germline. Affected: yes.
Comment: This variant is considered likely benign or benign based on one or more of the following criteria: it is a conservative change, it occurs at a poorly conserved position in the protein, it is predicted to be benign by multiple in silico algorithms, and/or has population frequency not consistent with disease.

NM_000051.4(ATM):c.8964C>T (p.Asp2988=)

Genes: ATM (ATM serine/threonine kinase; plus strand), C11orf65 (chromosome 11 open reading frame 65; minus strand). Cytogenetic location: 11q22.3.
Variant type: single nucleotide variant.
Coding change: c.8964C>T on transcript NM_000051.4 (MANE Select); coding-DNA position 8964, C replaced by T.
Protein change: p.Asp2988=; no amino-acid change (aspartic acid 2988 retained).
Molecular consequence: synonymous variant. On other transcripts: intron variant (2).
Genome position (GRCh38, 1-based): chr11:108,365,195, C>T. VCF-style: chr11-108365195-C-T. GRCh37 (hg19) VCF-style: chr11-108235922-C-T.
Other names: c.8964C>T, p.Asp2988= (NM_001351834.2); c.640+20725G>A (NM_001330368.2); c.694+20725G>A (NM_001351110.2).
Identifiers: ClinVar variation 383856 (VCV000383856.22), dbSNP rs969795398, ClinGen allele CA16606863.